The following is an entry in ClinVar:

NM_004527.4(MEOX1):c.391G>A (p.Gly131Ser)

Gene: MEOX1 (mesenchyme homeobox 1; minus strand). Cytogenetic location: 17q21.31.
Variant type: single nucleotide variant.
Coding change: c.391G>A on transcript NM_004527.4 (MANE Select); coding-DNA position 391, G replaced by A.
Protein change: p.Gly131Ser; replaces glycine 131 with serine.
Molecular consequence: missense variant.
Genome position (GRCh38, 1-based): chr17:43,661,144, C>T on the plus strand (G>A on the coding strand, the complement: MEOX1 is on the minus strand). VCF-style: chr17-43661144-C-T. GRCh37 (hg19) VCF-style: chr17-41738512-C-T.
Other names: c.46G>A, p.Gly16Ser (NM_001040002.2); c.391G>A, p.Gly131Ser (NM_013999.4); short protein forms G16S, G131S.
Identifiers: ClinVar variation 1906693 (VCV001906693.6), dbSNP rs1237221340, ClinGen allele CA399904288.

ClinVar aggregate classification (germline): Uncertain significance. Review status: criteria provided, multiple submitters, no conflicts (2 of 4 stars). 2 submissions from 2 submitters: Uncertain significance (2). Last evaluated 2022-12-19.

Conditions:
Inborn genetic diseases. Identifiers: MedGen C0950123, MeSH D030342.

Allele frequency attached by ClinVar (database versions not stated): TOPMed below 0.00001; gnomAD exomes 0.00001.

Submissions (2):

Ambry Genetics
Classification: Uncertain significance for Inborn genetic diseases. Last evaluated: 2022-12-19. Review status: criteria provided, single submitter. Criteria: Ambry Variant Classification Scheme 2023. Collection method: clinical testing. Allele origin: germline.

Labcorp Genetics (formerly Invitae), Labcorp
Classification: Uncertain significance. Last evaluated: 2022-07-21. Review status: criteria provided, single submitter. Criteria: Invitae Variant Classification Sherloc (09022015). Collection method: clinical testing. Allele origin: germline.
Comment: This variant is present in population databases (no rsID available, gnomAD 0.002%). This sequence change replaces glycine, which is neutral and non-polar, with serine, which is neutral and polar, at codon 131 of the MEOX1 protein (p.Gly131Ser). This variant has not been reported in the literature in individuals affected with MEOX1-related conditions. Algorithms developed to predict the effect of missense changes on protein structure and function (SIFT, PolyPhen-2, Align-GVGD) all suggest that this variant is likely to be tolerated. In summary, the available evidence is currently insufficient to determine the role of this variant in disease. Therefore, it has been classified as a Variant of Uncertain Significance.